The following is an entry in ClinVar:

ClinVar aggregate classification (germline): Uncertain significance. Review status: criteria provided, multiple submitters, no conflicts (2 of 4 stars). 2 submissions from 2 submitters: Uncertain significance (2). Last evaluated 2025-01-21.

Conditions:
Familial thoracic aortic aneurysm and aortic dissection (TAAD). Also called: Thoracic aortic aneurysms and dissections. Identifiers: Orphanet 91387, MedGen C4707243, MONDO:0019625.
Ehlers-Danlos syndrome, type 4 (EDSVASC). Also called: Ehlers-Danlos syndrome vascular type; Ehlers Danlos syndrome, ecchymotic type; Ehlers Danlos syndrome, arterial type; Ehlers Danlos syndrome, Sack-Barabas type; Ehlers-Danlos Syndrome Type IV. Identifiers: Orphanet 286, MedGen C0268338, MONDO:0017314, OMIM 130050.

Allele frequency attached by ClinVar (database versions not stated): TOPMed 0.00001.
gnomAD v4.1: 2 of 1,611,620 alleles (0.00012%); highest among the groups gnomAD compares: East Asian, 0.0022%; no homozygotes.

Submissions (2):

Labcorp Genetics (formerly Invitae), Labcorp
Classification: Uncertain significance for Ehlers-Danlos syndrome, type 4. Last evaluated: 2025-01-21. Review status: criteria provided, single submitter. Criteria: Invitae Variant Classification Sherloc (09022015). Collection method: clinical testing. Allele origin: germline.
Comment: This sequence change replaces proline, which is neutral and non-polar, with leucine, which is neutral and non-polar, at codon 892 of the COL3A1 protein (p.Pro892Leu). This variant is not present in population databases (gnomAD no frequency). This variant has not been reported in the literature in individuals affected with COL3A1-related conditions. ClinVar contains an entry for this variant (Variation ID: 459775). Invitae Evidence Modeling of protein sequence and biophysical properties (such as structural, functional, and spatial information, amino acid conservation, physicochemical variation, residue mobility, and thermodynamic stability) indicates that this missense variant is not expected to disrupt COL3A1 protein function with a negative predictive value of 95%. In summary, the available evidence is currently insufficient to determine the role of this variant in disease. Therefore, it has been classified as a Variant of Uncertain Significance.

Color Diagnostics, LLC DBA Color Health
Classification: Uncertain significance for Familial thoracic aortic aneurysm and aortic dissection. Last evaluated: 2024-03-06. Review status: criteria provided, single submitter. Criteria: ACMG Guidelines, 2015. Collection method: clinical testing. Allele origin: germline.
Comment: This missense variant replaces proline with leucine at codon 892 of the COL3A1 protein. Computational prediction is inconclusive regarding the impact of this variant on protein structure and function (internally defined REVEL score threshold 0.5 < inconclusive < 0.7, PMID: 27666373). To our knowledge, functional studies have not been reported for this variant. This variant has not been reported in individuals affected with cardiovascular disorders in the literature. This variant has not been identified in the general population by the Genome Aggregation Database (gnomAD). The available evidence is insufficient to determine the role of this variant in disease conclusively. Therefore, this variant is classified as a Variant of Uncertain Significance.

NM_000090.4(COL3A1):c.2675C>T (p.Pro892Leu)

Gene: COL3A1 (collagen type III alpha 1 chain; plus strand). Cytogenetic location: 2q32.2.
Variant type: single nucleotide variant.
Coding change: c.2675C>T on transcript NM_000090.4 (MANE Select); coding-DNA position 2675, C replaced by T.
Protein change: p.Pro892Leu; replaces proline 892 with leucine.
Molecular consequence: missense variant.
Genome position (GRCh38, 1-based): chr2:189,003,995, C>T. VCF-style: chr2-189003995-C-T. GRCh37 (hg19) VCF-style: chr2-189868721-C-T.
Other names: short protein forms P892L.
Identifiers: ClinVar variation 459775 (VCV000459775.12), dbSNP rs1447793042, ClinGen allele CA349843720.